The following is an entry in ClinVar:

ClinVar aggregate classification (germline): Uncertain significance (1 of 4 stars; one submission).

Conditions:
MOGS-congenital disorder of glycosylation. Also called: CDG 2B; MOGS-CDG; CDG IIb; GLUCOSIDASE I DEFICIENCY. Identifiers: Orphanet 79330, MedGen C1853736, MONDO:0011629, OMIM 606056.

Allele frequency attached by ClinVar (database versions not stated): gnomAD exomes below 0.00001; TOPMed below 0.00001; ExAC 0.00001; gnomAD 0.00001.

Submission:

Labcorp Genetics (formerly Invitae), Labcorp
Classification: Uncertain significance for MOGS-congenital disorder of glycosylation. Last evaluated: 2022-06-20. Review status: criteria provided, single submitter. Criteria: Invitae Variant Classification Sherloc (09022015). Collection method: clinical testing. Allele origin: germline.
Comment: In summary, the available evidence is currently insufficient to determine the role of this variant in disease. Therefore, it has been classified as a Variant of Uncertain Significance. Algorithms developed to predict the effect of missense changes on protein structure and function (SIFT, PolyPhen-2, Align-GVGD) all suggest that this variant is likely to be disruptive. This variant has not been reported in the literature in individuals affected with MOGS-related conditions. This variant is present in population databases (rs774062391, gnomAD 0.003%). This sequence change replaces glycine, which is neutral and non-polar, with arginine, which is basic and polar, at codon 238 of the MOGS protein (p.Gly238Arg).

NM_006302.3(MOGS):c.712G>C (p.Gly238Arg)

Gene: MOGS (mannosyl-oligosaccharide glucosidase; minus strand). Cytogenetic location: 2p13.1.
Variant type: single nucleotide variant.
Coding change: c.712G>C on transcript NM_006302.3 (MANE Select); coding-DNA position 712, G replaced by C.
Protein change: p.Gly238Arg; replaces glycine 238 with arginine.
Molecular consequence: missense variant.
Genome position (GRCh38, 1-based): chr2:74,463,254, C>G on the plus strand (G>C on the coding strand, the complement: MOGS is on the minus strand). VCF-style: chr2-74463254-C-G. GRCh37 (hg19) VCF-style: chr2-74690381-C-G.
Other names: c.394G>C, p.Gly132Arg (NM_001146158.2); short protein forms G238R, G132R.
Identifiers: ClinVar variation 2088072 (VCV002088072.4), dbSNP rs774062391, ClinGen allele CA1724955.
Genomic context (GRCh38, chr2:74,463,254, plus strand): 5'-CATACTTGGGGGCTGTATCCCCTGGACTGGTTGGTGGCAAAAGTGTAAAGCGGAAGTCAC[C>G]AAGTTCACTGGTGTGCCCACTGATAAACTTCAACTGCCCCTTGGCCCCAACCTCTGGTAG-3'
Protein context (NP_006293.2, residues 228-248): KFISGHTSEL[Gly238Arg]DFRFTLLPPT